The following is an entry in ClinVar:

ClinVar aggregate classification (germline): Uncertain significance. Review status: criteria provided, multiple submitters, no conflicts (2 of 4 stars). 3 submissions from 3 submitters: Uncertain significance (3). Last evaluated 2025-11-30.

Conditions:
Cardiovascular phenotype. Identifiers: MedGen CN230736.
APOA1-related disorder. Also called: APOA1-related condition.

Allele frequency attached by ClinVar (database versions not stated): gnomAD 0.00003; TOPMed 0.00003; ExAC 0.00005.

Submissions (3):

Labcorp Genetics (formerly Invitae), Labcorp
Classification: Uncertain significance. Last evaluated: 2025-11-30. Review status: criteria provided, single submitter. Criteria: Invitae Variant Classification Sherloc (09022015). Collection method: clinical testing. Allele origin: germline.
Comment: This sequence change replaces alanine, which is neutral and non-polar, with threonine, which is neutral and polar, at codon 256 of the APOA1 protein (p.Ala256Thr). This variant is present in population databases (rs766709243, gnomAD 0.006%). This variant has not been reported in the literature in individuals affected with APOA1-related conditions. ClinVar contains an entry for this variant (Variation ID: 1760067). Invitae Evidence Modeling of protein sequence and biophysical properties (such as structural, functional, and spatial information, amino acid conservation, physicochemical variation, residue mobility, and thermodynamic stability) has been performed for this missense variant. However, the output from this modeling did not meet the statistical confidence thresholds required to predict the impact of this variant on APOA1 protein function. In summary, the available evidence is currently insufficient to determine the role of this variant in disease. Therefore, it has been classified as a Variant of Uncertain Significance.

Ambry Genetics
Classification: Uncertain significance for Cardiovascular phenotype. Last evaluated: 2024-12-21. Review status: criteria provided, single submitter. Criteria: Ambry Variant Classification Scheme 2023. Collection method: clinical testing. Allele origin: germline.
Comment: The p.A256T variant (also known as c.766G>A), located in coding exon 3 of the APOA1 gene, results from a G to A substitution at nucleotide position 766. The alanine at codon 256 is replaced by threonine, an amino acid with similar properties. This amino acid position is conserved. In addition, this alteration is predicted to be tolerated by in silico analysis. Since supporting evidence is limited at this time, the clinical significance of this alteration remains unclear.

PreventionGenetics, part of Exact Sciences
Classification: Uncertain significance for APOA1-related condition. Last evaluated: 2024-12-12. Review status: criteria provided, single submitter. Criteria: ACMG Guidelines, 2015. Collection method: clinical testing. Allele origin: germline.
Comment: The APOA1 c.766G>A variant is predicted to result in the amino acid substitution p.Ala256Thr. To our knowledge, this variant has not been reported in the literature. This variant is reported in 0.0062% of alleles in individuals of European (Non-Finnish) descent in gnomAD. At this time, the clinical significance of this variant is uncertain due to the absence of conclusive functional and genetic evidence.

NM_000039.3(APOA1):c.766G>A (p.Ala256Thr)

Gene: APOA1 (apolipoprotein A1; minus strand). Cytogenetic location: 11q23.3.
Variant type: single nucleotide variant.
Coding change: c.766G>A on transcript NM_000039.3 (MANE Select); coding-DNA position 766, G replaced by A.
Protein change: p.Ala256Thr; replaces alanine 256 with threonine.
Molecular consequence: missense variant.
Genome position (GRCh38, 1-based): chr11:116,835,846, C>T on the plus strand (G>A on the coding strand, the complement: APOA1 is on the minus strand). VCF-style: chr11-116835846-C-T. GRCh37 (hg19) VCF-style: chr11-116706562-C-T.
Other names: c.766G>A (NM_000039.2); c.766G>A, p.Ala256Thr (NM_001318017.2, NM_001318018.2); c.439G>A, p.Ala147Thr (NM_001318021.2); short protein forms A147T, A256T.
Identifiers: ClinVar variation 1760067 (VCV001760067.9), dbSNP rs766709243, ClinGen allele CA6289744.
Genomic context (GRCh38, chr11:116,835,846, plus strand): 5'-AAGGGGGGCGGCGGCGGGCGCCTCACTGGGTGTTGAGCTTCTTAGTGTACTCCTCGAGAG[C>T]GCTCAGGAAGCTGACCTTGAAGCTCTCCAGCACGGGCAGCAGGCCTTGGCGGAGGTCCTC-3'
Protein context (NP_000030.1, residues 246-266): LESFKVSFLS[Ala256Thr]LEEYTKKLNT